The following is an entry in ClinVar:

ClinVar aggregate classification (germline): Uncertain significance. Review status: criteria provided, multiple submitters, no conflicts (2 of 4 stars). 4 submissions from 4 submitters: Uncertain significance (4). Last evaluated 2023-09-20.

Conditions:
Hereditary cancer-predisposing syndrome. Also called: Hereditary Cancer Syndrome; Hereditary neoplastic syndrome; Neoplastic Syndromes, Hereditary; Tumor predisposition. Identifiers: Orphanet 140162, MedGen C0027672, MeSH D009386, MONDO:0015356.
Microcephaly, normal intelligence and immunodeficiency (NBS). Also called: Ataxia telangiectasia variant V1; IMMUNODEFICIENCY, MICROCEPHALY, AND CHROMOSOMAL INSTABILITY; SEEMANOVA SYNDROME II; Nijmegen breakage syndrome; Microcephaly with normal intelligence immunodeficiency and lymphoreticular malignancies; Nonsyndromal microcephaly autosomal recessive with normal intelligence. Identifiers: Orphanet 647, MedGen C0398791, MONDO:0009623, OMIM 251260.

Allele frequency attached by ClinVar (database versions not stated): gnomAD below 0.00001 and 0.00001; gnomAD exomes below 0.00001 and 0.00001; TOPMed below 0.00001.
gnomAD v4.1: 16 of 1,613,992 alleles (0.00099%); highest among the groups gnomAD compares: South Asian, 0.016%; no homozygotes.

Submissions (4):

Ambry Genetics
Classification: Uncertain significance for Hereditary cancer-predisposing syndrome. Last evaluated: 2023-09-20. Review status: criteria provided, single submitter. Criteria: Ambry Variant Classification Scheme 2023. Collection method: clinical testing. Allele origin: germline.
Comment: The p.T360S variant (also known as c.1079C>G), located in coding exon 9 of the NBN gene, results from a C to G substitution at nucleotide position 1079. The threonine at codon 360 is replaced by serine, an amino acid with similar properties. This amino acid position is poorly conserved in available vertebrate species. In addition, this alteration is predicted to be tolerated by in silico analysis. Since supporting evidence is limited at this time, the clinical significance of this alteration remains unclear.

Labcorp Genetics (formerly Invitae), Labcorp
Classification: Uncertain significance for Microcephaly, normal intelligence and immunodeficiency. Last evaluated: 2022-10-24. Review status: criteria provided, single submitter. Criteria: Invitae Variant Classification Sherloc (09022015). Collection method: clinical testing. Allele origin: germline.
Comment: This sequence change replaces threonine, which is neutral and polar, with serine, which is neutral and polar, at codon 360 of the NBN protein (p.Thr360Ser). This variant is present in population databases (no rsID available, gnomAD 0.003%). This variant has not been reported in the literature in individuals affected with NBN-related conditions. ClinVar contains an entry for this variant (Variation ID: 920363). Algorithms developed to predict the effect of missense changes on protein structure and function (SIFT, PolyPhen-2, Align-GVGD) all suggest that this variant is likely to be tolerated. In summary, the available evidence is currently insufficient to determine the role of this variant in disease. Therefore, it has been classified as a Variant of Uncertain Significance.

Genome-Nilou Lab
Classification: Uncertain significance for Microcephaly, normal intelligence and immunodeficiency. Last evaluated: 2021-11-07. Review status: criteria provided, single submitter. Criteria: ACMG Guidelines, 2015. Collection method: clinical testing. Allele origin: germline. Affected: no.

GeneDx
Classification: Uncertain significance. Last evaluated: 2019-11-08. Review status: criteria provided, single submitter. Criteria: GeneDx Variant Classification Process June 2021. Collection method: clinical testing. Allele origin: germline. Affected: yes.
Comment: Not observed at a significant frequency in large population cohorts (Lek 2016); In silico analysis, which includes protein predictors and evolutionary conservation, supports that this variant does not alter protein structure/function; Has not been previously published as pathogenic or benign to our knowledge

NM_002485.5(NBN):c.1079C>G (p.Thr360Ser)

Gene: NBN (nibrin; minus strand). Cytogenetic location: 8q21.3.
Variant type: single nucleotide variant.
Coding change: c.1079C>G on transcript NM_002485.5 (MANE Select); coding-DNA position 1079, C replaced by G.
Protein change: p.Thr360Ser; replaces threonine 360 with serine.
Molecular consequence: missense variant.
Genome position (GRCh38, 1-based): chr8:89,958,770, G>C on the plus strand (C>G on the coding strand, the complement: NBN is on the minus strand). VCF-style: chr8-89958770-G-C. GRCh37 (hg19) VCF-style: chr8-90970998-G-C.
Other names: c.833C>G, p.Thr278Ser (NM_001024688.3); short protein forms T360S, T278S.
Identifiers: ClinVar variation 920363 (VCV000920363.14), dbSNP rs879020505, ClinGen allele CA181263650.
Genomic context (GRCh38, chr8:89,958,770, plus strand): 5'-ATGAAGAAGCTTTACCATGTATCTGCTTGCTCTGATTCTGTGTCAGCTACGTATGTTGTA[G>C]TGTTCACTGGGGCGCTTGGCATTAGTTTTTCATCAACTGACACGCCTTGTGAAAGGCTTG-3'
Protein context (NP_002476.2, residues 350-370): EKLMPSAPVN[Thr360Ser]TTYVADTESE